The following is an entry in ClinVar:

ClinVar aggregate classification (germline): Uncertain significance. Review status: criteria provided, multiple submitters, no conflicts (2 of 4 stars). 3 submissions from 3 submitters: Uncertain significance (3). Last evaluated 2023-10-04.

Conditions:
Classic or attenuated familial adenomatous polyposis. Identifiers: MedGen CN372698, MONDO:0021057.
Hereditary cancer-predisposing syndrome. Also called: Neoplastic Syndromes, Hereditary; Tumor predisposition; Hereditary neoplastic syndrome; Hereditary Cancer Syndrome. Identifiers: Orphanet 140162, MedGen C0027672, MeSH D009386, MONDO:0015356.
Familial adenomatous polyposis 1 (FAP1). Also called: FAMILIAL ADENOMATOUS POLYPOSIS 1, ATTENUATED; POLYPOSIS, ADENOMATOUS INTESTINAL. Identifiers: MedGen C2713442, MONDO:0021056, OMIM 175100. Disease mechanism: loss of function.

Submissions (3):

Labcorp Genetics (formerly Invitae), Labcorp
Classification: Uncertain significance for Familial adenomatous polyposis 1. Last evaluated: 2023-10-04. Review status: criteria provided, single submitter. Criteria: Invitae Variant Classification Sherloc (09022015). Collection method: clinical testing. Allele origin: germline.
Comment: This sequence change replaces glutamine, which is neutral and polar, with lysine, which is basic and polar, at codon 1303 of the APC protein (p.Gln1303Lys). This variant is not present in population databases (gnomAD no frequency). This variant has not been reported in the literature in individuals affected with APC-related conditions. ClinVar contains an entry for this variant (Variation ID: 1371114). Advanced modeling of protein sequence and biophysical properties (such as structural, functional, and spatial information, amino acid conservation, physicochemical variation, residue mobility, and thermodynamic stability) performed at Invitae indicates that this missense variant is not expected to disrupt APC protein function. In summary, the available evidence is currently insufficient to determine the role of this variant in disease. Therefore, it has been classified as a Variant of Uncertain Significance.

All of Us Research Program, National Institutes of Health
Classification: Uncertain significance for Classic or attenuated familial adenomatous polyposis. Last evaluated: 2023-06-08. Review status: criteria provided, single submitter. Criteria: ACMG Guidelines, 2015. Collection method: clinical testing. Allele origin: germline. Inheritance: Autosomal dominant inheritance. Observed: 1 variant allele, 1 heterozygote.
Comment: This missense variant replaces glutamine with lysine at codon 1303 of the APC protein. Computational prediction suggests that this variant may not impact protein structure and function (internally defined REVEL score threshold <= 0.5, PMID: 27666373). To our knowledge, functional studies have not been reported for this variant. This variant has not been reported in individuals affected with APC-related disorders in the literature. This variant has not been identified in the general population by the Genome Aggregation Database (gnomAD). The available evidence is insufficient to determine the role of this variant in disease conclusively. Therefore, this variant is classified as a Variant of Uncertain Significance.

This study involves interpretation of variants in research participants for the purpose of population health screening. Participant phenotype was not available at the time of variant classification. Additional details can be found in publication PMID: 35346344, PMCID: PMC8962531

Color Diagnostics, LLC DBA Color Health
Classification: Uncertain significance for Hereditary cancer-predisposing syndrome. Last evaluated: 2023-03-01. Review status: criteria provided, single submitter. Criteria: ACMG Guidelines, 2015. Collection method: clinical testing. Allele origin: germline.
Comment: This missense variant replaces glutamine with lysine at codon 1303 of the APC protein. Computational prediction suggests that this variant may not impact protein structure and function (internally defined REVEL score threshold <= 0.5, PMID: 27666373). To our knowledge, functional studies have not been reported for this variant. This variant has not been reported in individuals affected with APC-related disorders in the literature. This variant has not been identified in the general population by the Genome Aggregation Database (gnomAD). The available evidence is insufficient to determine the role of this variant in disease conclusively. Therefore, this variant is classified as a Variant of Uncertain Significance.

NM_000038.6(APC):c.3907C>A (p.Gln1303Lys)

Gene: APC (APC regulator of Wnt signaling pathway; plus strand). Cytogenetic location: 5q22.2.
Variant type: single nucleotide variant.
Coding change: c.3907C>A on transcript NM_000038.6 (MANE Select); coding-DNA position 3907, C replaced by A.
Protein change: p.Gln1303Lys; replaces glutamine 1303 with lysine.
Molecular consequence: missense variant.
Genome position (GRCh38, 1-based): chr5:112,839,501, C>A. VCF-style: chr5-112839501-C-A. GRCh37 (hg19) VCF-style: chr5-112175198-C-A.
Other names: c.3907C>A, p.Gln1303Lys (NM_001354895.2, NM_001127510.3); c.3961C>A, p.Gln1321Lys (NM_001354896.2); c.3937C>A, p.Gln1313Lys (NM_001354897.2); c.3832C>A, p.Gln1278Lys (NM_001354898.2); c.3823C>A, p.Gln1275Lys (NM_001354899.2); c.3784C>A, p.Gln1262Lys (NM_001354900.2); c.3529C>A, p.Gln1177Lys (NM_001354904.2); c.3427C>A, p.Gln1143Lys (NM_001354905.2); and 5 more; short protein forms Q1262K, Q1285K, Q1313K, Q1177K, Q1244K, Q1275K, Q1303K, Q1020K.
Identifiers: ClinVar variation 1371114 (VCV001371114.11), dbSNP rs2149901776, ClinGen allele CA16029903.